The following is an entry in ClinVar:

ClinVar aggregate classification (germline): Likely benign (0 of 4 stars; one submission).

Conditions:
CUX1-related disorder. Also called: CUX1-related condition.

Allele frequency attached by ClinVar (database versions not stated): ExAC 0.00002; TOPMed 0.00004; ESP Exome Variant Server 0.00008; gnomAD 0.00003; gnomAD exomes 0.00005.
gnomAD v4.1: 76 of 1,613,448 alleles (0.0047%); highest among the groups gnomAD compares: Non-Finnish European, 0.0058%; no homozygotes.

Submission:

PreventionGenetics, part of Exact Sciences
Classification: Likely benign for CUX1-related condition. Last evaluated: 2019-09-18. Review status: no assertion criteria provided. Collection method: clinical testing. Allele origin: germline.
Comment: This variant is classified as likely benign based on ACMG/AMP sequence variant interpretation guidelines (Richards et al. 2015 PMID: 25741868, with internal and published modifications).

NM_001913.5(CUX1):c.1917G>A (p.Leu639=)

Gene: CUX1 (cut like homeobox 1; plus strand). Cytogenetic location: 7q22.1.
Variant type: single nucleotide variant.
Coding change: c.1917G>A on transcript NM_001913.5 (MANE Plus Clinical); coding-DNA position 1917, G replaced by A.
Protein change: p.Leu639=; no amino-acid change (leucine 639 retained).
Molecular consequence: synonymous variant.
Genome position (GRCh38, 1-based): chr7:102,282,726, G>A. VCF-style: chr7-102282726-G-A. GRCh37 (hg19) VCF-style: chr7-101926018-G-A.
Other names: c.1869G>A, p.Leu623= (NM_001202544.3); c.1779G>A, p.Leu593= (NM_001202545.3); c.1800G>A, p.Leu600= (NM_001202546.3); c.1911G>A, p.Leu637= (NM_181500.4).
Identifiers: ClinVar variation 3040558 (VCV003040558.2), dbSNP rs149124693, ClinGen allele CA4411879.